The following is an entry in ClinVar:

NC_000021.8:g.(?_45725202)_(46234019_?)dup

Genes: CFAP410 (cilia and flagella associated protein 410; minus strand), KRTAP10-1 (keratin associated protein 10-1; minus strand), KRTAP10-10 (keratin associated protein 10-10; plus strand), KRTAP10-11 (keratin associated protein 10-11; plus strand), KRTAP10-12 (keratin associated protein 10-12; plus strand) and 18 more. Cytogenetic location: 21q22.3.
Variant type: Duplication.
Identifiers: ClinVar variation 833483 (VCV000833483.1).

ClinVar aggregate classification (germline): Uncertain significance (1 of 4 stars; one submission).

Submission:

Labcorp Genetics (formerly Invitae), Labcorp
Classification: Uncertain significance. Last evaluated: 2019-10-18. Review status: criteria provided, single submitter. Criteria: Invitae Variant Classification Sherloc (09022015). Collection method: clinical testing. Allele origin: germline.
Comment: This variant results in a copy number gain of the genomic region encompassing the full coding sequence of the CFAP410 gene. The boundaries of this event are unknown as they extend beyond the assayed region for this gene and therefore may encompass additional genes. As the precise location of this event is unknown, it may be in tandem or it may be located elsewhere in the genome. This variant has not been reported in the literature in individuals with CFAP410-related conditions. In summary, the available evidence is currently insufficient to determine the role of this variant in disease. Therefore, it has been classified as a Variant of Uncertain Significance.